The following is an entry in ClinVar:

NM_000264.5(PTCH1):c.3106T>G (p.Leu1036Val)

Gene: PTCH1 (patched 1; minus strand). Cytogenetic location: 9q22.32.
Variant type: single nucleotide variant.
Coding change: c.3106T>G on transcript NM_000264.5 (MANE Select); coding-DNA position 3106, T replaced by G.
Protein change: p.Leu1036Val; replaces leucine 1036 with valine.
Molecular consequence: missense variant. On other transcripts: non-coding transcript variant (1).
Genome position (GRCh38, 1-based): chr9:95,458,075, A>C on the plus strand (T>G on the coding strand, the complement: PTCH1 is on the minus strand). VCF-style: chr9-95458075-A-C. GRCh37 (hg19) VCF-style: chr9-98220357-A-C.
Other names: c.2908T>G, p.Leu970Val (NM_001083602.3); c.3103T>G, p.Leu1035Val (NM_001083603.3); c.2653T>G, p.Leu885Val (NM_001083604.3, NM_001083605.3, NM_001083606.3 and 1 more transcripts); c.2950T>G, p.Leu984Val (NM_001354918.2); short protein forms L970V, L1035V, L885V, L1036V, L984V.
Identifiers: ClinVar variation 1727692 (VCV001727692.2), dbSNP rs1839103361, ClinGen allele CA374112379.

ClinVar aggregate classification (germline): Uncertain significance (1 of 4 stars; one submission).

Conditions:
Hereditary cancer-predisposing syndrome. Also called: Tumor predisposition; Neoplastic Syndromes, Hereditary; Hereditary Cancer Syndrome; Hereditary neoplastic syndrome. Identifiers: Orphanet 140162, MedGen C0027672, MeSH D009386, MONDO:0015356.

Submission:

Ambry Genetics
Classification: Uncertain significance for Hereditary cancer-predisposing syndrome. Last evaluated: 2017-11-30. Review status: criteria provided, single submitter. Criteria: Ambry Variant Classification Scheme 2023. Collection method: clinical testing. Allele origin: germline.
Comment: The p.L1036V variant (also known as c.3106T>G), located in coding exon 18 of the PTCH1 gene, results from a T to G substitution at nucleotide position 3106. The leucine at codon 1036 is replaced by valine, an amino acid with highly similar properties. This amino acid position is highly conserved in available vertebrate species. In addition, the in silico prediction for this alteration is inconclusive. Since supporting evidence is limited at this time, the clinical significance of this alteration remains unclear.